The following is an entry in ClinVar:

ClinVar aggregate classification (germline): Likely benign (0 of 4 stars; one submission).

Conditions:
CSPP1-related disorder. Also called: CSPP1-related condition.

Allele frequency attached by ClinVar (database versions not stated): TOPMed 0.00001.

Submission:

PreventionGenetics, part of Exact Sciences
Classification: Likely benign for CSPP1-related condition. Last evaluated: 2021-04-30. Review status: no assertion criteria provided. Collection method: clinical testing. Allele origin: germline.
Comment: This variant is classified as likely benign based on ACMG/AMP sequence variant interpretation guidelines (Richards et al. 2015 PMID: 25741868, with internal and published modifications).

NM_001382391.1(CSPP1):c.1022+9T>C

Gene: CSPP1 (centrosome and spindle pole associated protein 1; plus strand). Cytogenetic location: 8q13.2.
Variant type: single nucleotide variant.
Coding change: c.1022+9T>C on transcript NM_001382391.1 (MANE Select); 9 bases into the intron after coding-DNA position 1022, T replaced by C.
Molecular consequence: intron variant.
Genome position (GRCh38, 1-based): chr8:67,103,144, T>C. VCF-style: chr8-67103144-T-C. GRCh37 (hg19) VCF-style: chr8-68015379-T-C.
Other names: c.1022+9T>C (NM_001363132.2); c.941+9T>C (NM_001363131.2, NM_001363133.2); c.1130+9T>C (NM_001364869.1); c.1049+9T>C (NM_024790.7, NM_001438331.1, NM_001438330.1); c.951-2761T>C (NM_001364870.1); c.950+7412T>C (NM_001438332.1); c.167+9T>C (NM_001291339.2).
Identifiers: ClinVar variation 3029911 (VCV003029911.2), dbSNP rs1814508704, ClinGen allele CA1790789969.